The following is an entry in ClinVar:

NM_020207.7(ERCC6L2):c.781C>T (p.Leu261Phe)

Gene: ERCC6L2 (ERCC excision repair 6 like 2; plus strand). Cytogenetic location: 9q22.32.
Variant type: single nucleotide variant.
Coding change: c.781C>T on transcript NM_020207.7 (MANE Select); coding-DNA position 781, C replaced by T.
Protein change: p.Leu261Phe; replaces leucine 261 with phenylalanine.
Molecular consequence: missense variant. On other transcripts: non-coding transcript variant (1).
Genome position (GRCh38, 1-based): chr9:95,907,264, C>T. VCF-style: chr9-95907264-C-T. GRCh37 (hg19) VCF-style: chr9-98669546-C-T.
Other names: c.781C>T, p.Leu261Phe (NM_001375293.1, NM_001375294.1, NM_001010895.4 and 2 more transcripts); short protein forms L261F.
Identifiers: ClinVar variation 4618732 (VCV004618732.1).

ClinVar aggregate classification (germline): Uncertain significance (1 of 4 stars; one submission).

Conditions:
Inborn genetic diseases. Identifiers: MedGen C0950123, MeSH D030342.

Submission:

Ambry Genetics
Classification: Uncertain significance for Inborn genetic diseases. Last evaluated: 2025-10-15. Review status: criteria provided, single submitter. Criteria: Ambry Variant Classification Scheme 2023. Collection method: clinical testing. Allele origin: germline.
Comment: The p.L261F variant (also known as c.781C>T), located in coding exon 4 of the ERCC6L2 gene, results from a C to T substitution at nucleotide position 781. The leucine at codon 261 is replaced by phenylalanine, an amino acid with highly similar properties. This amino acid position is conserved. In addition, this alteration is predicted to be tolerated by in silico analysis. Based on the available evidence, the clinical significance of this variant remains unclear.